The following is an entry in ClinVar:

NM_006231.4(POLE):c.6175C>G (p.Leu2059Val)

Gene: POLE (DNA polymerase epsilon, catalytic subunit; minus strand). Cytogenetic location: 12q24.33.
Variant type: single nucleotide variant.
Coding change: c.6175C>G on transcript NM_006231.4 (MANE Select); coding-DNA position 6175, C replaced by G.
Protein change: p.Leu2059Val; replaces leucine 2059 with valine.
Molecular consequence: missense variant.
Genome position (GRCh38, 1-based): chr12:132,632,470, G>C on the plus strand (C>G on the coding strand, the complement: POLE is on the minus strand). VCF-style: chr12-132632470-G-C. GRCh37 (hg19) VCF-style: chr12-133209056-G-C.
Other names: short protein forms L2059V.
Identifiers: ClinVar variation 4141142 (VCV004141142.1).

ClinVar aggregate classification (germline): Uncertain significance (1 of 4 stars; one submission).

Conditions:
Hereditary cancer-predisposing syndrome. Also called: Hereditary neoplastic syndrome; Neoplastic Syndromes, Hereditary; Tumor predisposition; Hereditary Cancer Syndrome. Identifiers: Orphanet 140162, MedGen C0027672, MeSH D009386, MONDO:0015356.

gnomAD v4.1: 1 of 1,614,122 alleles (0.000062%); highest among the groups gnomAD compares: Non-Finnish European, 0.000085%; no homozygotes.

Submission:

Ambry Genetics
Classification: Uncertain significance for Hereditary cancer-predisposing syndrome. Last evaluated: 2025-06-28. Review status: criteria provided, single submitter. Criteria: Ambry Variant Classification Scheme 2023. Collection method: clinical testing. Allele origin: germline.
Comment: The p.L2059V variant (also known as c.6175C>G), located in coding exon 45 of the POLE gene, results from a C to G substitution at nucleotide position 6175. The leucine at codon 2059 is replaced by valine, an amino acid with highly similar properties. This amino acid position is conserved. In addition, the in silico prediction for this alteration is inconclusive. Based on the available evidence, the clinical significance of this variant remains unclear.